The following is an entry in ClinVar:

ClinVar aggregate classification (germline): Benign/Likely benign. Review status: criteria provided, multiple submitters, no conflicts (2 of 4 stars). 3 submissions from 3 submitters: Benign (1); Likely benign (2). Last evaluated 2026-01-04.

Allele frequency attached by ClinVar (database versions not stated): gnomAD exomes 0.00020 and 0.00051; ExAC 0.00052; gnomAD 0.00157 and 0.00168; 1000 Genomes Project 0.00160; ESP Exome Variant Server 0.00161; 1000 Genomes Project 30x 0.00172; TOPMed 0.00200.
gnomAD v4.1: 564 of 1,614,170 alleles (0.035%); highest among the groups gnomAD compares: African/African-American, 0.56%; 3 homozygotes.

Submissions (3):

Labcorp Genetics (formerly Invitae), Labcorp
Classification: Benign. Last evaluated: 2026-01-04. Review status: criteria provided, single submitter. Criteria: Invitae Variant Classification Sherloc (09022015). Collection method: clinical testing. Allele origin: germline.

CeGaT Center for Human Genetics Tuebingen
Classification: Likely benign. Last evaluated: 2025-10-01. Review status: criteria provided, single submitter. Criteria: CeGaT Center For Human Genetics Tuebingen Variant Classification Criteria Version 2. Collection method: clinical testing. Allele origin: germline. Affected: yes. Observed: 1 variant allele.
Comment: PISD: BP4, BP7

Blueprint Genetics
Classification: Likely benign. Last evaluated: 2024-10-08. Review status: criteria provided, single submitter. Criteria: ACMG Guidelines, 2015. Collection method: clinical testing. Allele origin: germline.

NM_001326411.2(PISD):c.1086C>T (p.Gly362=)

Gene: PISD (phosphatidylserine decarboxylase; minus strand). Cytogenetic location: 22q12.2.
Variant type: single nucleotide variant.
Coding change: c.1086C>T on transcript NM_001326411.2 (MANE Select); coding-DNA position 1086, C replaced by T.
Protein change: p.Gly362=; no amino-acid change (glycine 362 retained).
Molecular consequence: synonymous variant. On other transcripts: 3 prime UTR variant (1).
Genome position (GRCh38, 1-based): chr22:31,619,756, G>A on the plus strand (C>T on the coding strand, the complement: PISD is on the minus strand). VCF-style: chr22-31619756-G-A. GRCh37 (hg19) VCF-style: chr22-32015742-G-A.
Other names: c.1023C>T, p.Gly341= (NM_001326412.1, NM_001326413.2, NM_001326414.2); c.984C>T, p.Gly328= (NM_001326415.2, NM_001326416.2, NM_001326417.2 and 2 more transcripts); c.906C>T, p.Gly302= (NM_001326418.2); c.870C>T, p.Gly290= (NM_001326419.2); c.792C>T, p.Gly264= (NM_001326420.2); c.*34C>T (NM_001326421.1).
Identifiers: ClinVar variation 1600129 (VCV001600129.15), dbSNP rs137875167, ClinGen allele CA10194530.